The following is an entry in ClinVar:

ClinVar aggregate classification (germline): Pathogenic (1 of 4 stars; one submission).

Submission:

Labcorp Genetics (formerly Invitae), Labcorp
Classification: Pathogenic. Last evaluated: 2026-01-08. Review status: criteria provided, single submitter. Criteria: Invitae Variant Classification Sherloc (09022015). Collection method: clinical testing. Allele origin: germline.
Comment: This sequence change creates a premature translational stop signal (p.Tyr934*) in the MPDZ gene. It is expected to result in an absent or disrupted protein product. Loss-of-function variants in MPDZ are known to be pathogenic (PMID: 23240096, 28556411). This variant is not present in population databases (gnomAD no frequency). This variant has not been reported in the literature in individuals affected with MPDZ-related conditions. For these reasons, this variant has been classified as Pathogenic.

Literature cited by the submitters: PubMed 23240096; PubMed 28556411.

NM_001378778.1(MPDZ):c.2802C>A (p.Tyr934Ter)

Gene: MPDZ (multiple PDZ domain crumbs cell polarity complex component; minus strand). Cytogenetic location: 9p23.
Variant type: single nucleotide variant.
Coding change: c.2802C>A on transcript NM_001378778.1 (MANE Select); coding-DNA position 2802, C replaced by A.
Protein change: p.Tyr934Ter; replaces tyrosine 934 with a stop codon.
Molecular consequence: nonsense.
Genome position (GRCh38, 1-based): chr9:13,176,265, G>T on the plus strand (C>A on the coding strand, the complement: MPDZ is on the minus strand). VCF-style: chr9-13176265-G-T. GRCh37 (hg19) VCF-style: chr9-13176264-G-T.
Other names: c.2802C>A, p.Tyr934Ter (NM_001261406.2, NM_001261407.2, NM_001330637.2 and 14 more transcripts); short protein forms Y934*.
Identifiers: ClinVar variation 4713639 (VCV004713639.1).